The following is an entry in ClinVar:

NM_001113378.2(FANCI):c.679_682del (p.Lys227fs)

Gene: FANCI (FA complementation group I; plus strand). Cytogenetic location: 15q26.1.
Variant type: Deletion.
Coding change: c.679_682del on transcript NM_001113378.2 (MANE Select); coding-DNA positions 679 to 682, 4 bases deleted (AAGA; older notation c.679_682delAAGA).
Protein change: p.Lys227fs; shifts the reading frame from lysine 227.
Molecular consequence: frameshift variant.
Genome position (GRCh38, 1-based): chr15:89,264,531-89,264,534, AAGA deleted; deleting any 4 consecutive bases within chr15:89,264,528-89,264,534 gives the same sequence; the c. name uses the placement nearest the transcript's 3' end. VCF-style (leftmost placement, unchanged base first): chr15-89264527-CAGAA-C. GRCh37 (hg19) VCF-style: chr15-89807758-CAGAA-C.
Other names: c.400_403del, p.Lys134fs (NM_001376910.1); c.679_682del, p.Lys227fs (NM_001376911.1, NM_018193.3); short protein forms K134fs, K227fs.
Identifiers: ClinVar variation 1692563 (VCV001692563.1), dbSNP rs2151304648, ClinGen allele CA2573151346.
Genomic context (GRCh38, chr15:89,264,527, plus strand): 5'-AATTGGTTATTTTGCTGTTAATTGGGAGACCTTACCAATTTTGTATTGTTTTCAGGGAAG[CAGAA>C]AGAGTGTTTTGGAAGGAATCATAGCCTTCTTCAGTGCACTAGATAAGCAGCACAATGAGG-3'

ClinVar aggregate classification (germline): Likely pathogenic (1 of 4 stars; one submission).

Conditions:
Fanconi anemia (FA). Also called: Fanconi's anemia. Identifiers: Orphanet 84, MedGen C0015625, MeSH D005199, MONDO:0019391.

Submission:

Sema4
Classification: Likely pathogenic for Fanconi anemia. Last evaluated: 2022-01-03. Review status: criteria provided, single submitter. Criteria: Sema4 Curation Guidelines. Collection method: curation. Allele origin: germline.
Comment: To the best of our knowledge, the FANCI c.679_682delAAGA (p.K227VfsX7) variant has not been reported in individuals with FANCI-related disease. This variant causes a frameshift at amino acid 227 that results in premature termination 7 amino acids downstream. At this location, this variant is predicted to cause loss of normal protein function either through protein truncation or nonsense-mediated mRNA decay. Loss of function of the FANCI gene is an established disease mechanism. This variant is not reported in the population database Genome Aggregation Database (PMID: 32461654). This variant has not been reported in ClinVar. Based on the current evidence available, this variant is interpreted as likely pathogenic.